The following is an entry in ClinVar:

NM_031885.5(BBS2):c.269A>G (p.Asp90Gly)

Gene: BBS2 (Bardet-Biedl syndrome 2; minus strand). Cytogenetic location: 16q13.
Variant type: single nucleotide variant.
Coding change: c.269A>G on transcript NM_031885.5 (MANE Select); coding-DNA position 269, A replaced by G.
Protein change: p.Asp90Gly; replaces aspartic acid 90 with glycine.
Molecular consequence: missense variant. On other transcripts: non-coding transcript variant (5).
Genome position (GRCh38, 1-based): chr16:56,514,529, T>C on the plus strand (A>G on the coding strand, the complement: BBS2 is on the minus strand). VCF-style: chr16-56514529-T-C. GRCh37 (hg19) VCF-style: chr16-56548441-T-C.
Other names: c.269A>G, p.Asp90Gly (NM_001377456.1); short protein forms D90G.
Identifiers: ClinVar variation 943615 (VCV000943615.10), dbSNP rs1228731722, ClinGen allele CA395985677.

ClinVar aggregate classification (germline): Likely pathogenic. Review status: criteria provided, multiple submitters, no conflicts (2 of 4 stars). 2 submissions from 2 submitters: Likely pathogenic (2). Last evaluated 2024-12-09.

Conditions:
Retinitis pigmentosa 74 (RP74). Identifiers: Orphanet 791, MedGen C4225281, MONDO:0014692, OMIM 616562.
Bardet-Biedl syndrome 2 (BBS2). Identifiers: Orphanet 110, MedGen C2936863, MONDO:0014432, OMIM 615981.
Bardet-Biedl syndrome (BBS). Identifiers: Orphanet 110, MedGen C0752166, MONDO:0015229.

Allele frequency attached by ClinVar (database versions not stated): gnomAD exomes 0.00001; TOPMed 0.00001.
gnomAD v4.1: 8 of 1,614,156 alleles (0.0005%); highest among the groups gnomAD compares: Non-Finnish European, 0.00068%; no homozygotes.

Submissions (2):

Labcorp Genetics (formerly Invitae), Labcorp
Classification: Likely pathogenic for Bardet-Biedl syndrome. Last evaluated: 2024-12-09. Review status: criteria provided, single submitter. Criteria: Invitae Variant Classification Sherloc (09022015). Collection method: clinical testing. Allele origin: germline.
Comment: This sequence change replaces aspartic acid, which is acidic and polar, with glycine, which is neutral and non-polar, at codon 90 of the BBS2 protein (p.Asp90Gly). This variant is not present in population databases (gnomAD no frequency). This missense change has been observed in individual(s) with retinitis pigmentosa (internal data). In at least one individual the data is consistent with being in trans (on the opposite chromosome) from a pathogenic variant. It has also been observed to segregate with disease in related individuals. ClinVar contains an entry for this variant (Variation ID: 943615). Invitae Evidence Modeling of protein sequence and biophysical properties (such as structural, functional, and spatial information, amino acid conservation, physicochemical variation, residue mobility, and thermodynamic stability) indicates that this missense variant is expected to disrupt BBS2 protein function with a positive predictive value of 80%. In summary, the currently available evidence indicates that the variant is pathogenic, but additional data are needed to prove that conclusively. Therefore, this variant has been classified as Likely Pathogenic.

Fulgent Genetics
Classification: Likely pathogenic for Bardet-Biedl syndrome 2; Retinitis pigmentosa 74. Last evaluated: 2024-05-09. Review status: criteria provided, single submitter. Criteria: ACMG Guidelines, 2015. Collection method: clinical testing. Allele origin: germline.